The following is an entry in ClinVar:

NM_005732.4(RAD50):c.3545A>T (p.Tyr1182Phe)

Genes: TH2-LCR (Th2 cytokine locus control region; plus strand), RAD50 (RAD50 double strand break repair protein; plus strand), TH2LCRR (T helper type 2 locus control region associated RNA; minus strand). Cytogenetic location: 5q31.1.
Variant type: single nucleotide variant.
Coding change: c.3545A>T on transcript NM_005732.4 (MANE Select); coding-DNA position 3545, A replaced by T.
Protein change: p.Tyr1182Phe; replaces tyrosine 1182 with phenylalanine.
Molecular consequence: missense variant. On other transcripts: non-coding transcript variant (2).
Genome position (GRCh38, 1-based): chr5:132,638,150, A>T. VCF-style: chr5-132638150-A-T. GRCh37 (hg19) VCF-style: chr5-131973842-A-T.
Other names: c.3545A>T (NM_005732.3); short protein forms Y1182F.
Identifiers: ClinVar variation 2792341 (VCV002792341.4), dbSNP rs2479427762, ClinGen allele CA360931935.
Genomic context (GRCh38, chr5:132,638,150, plus strand): 5'-ACATAGAAATACGGTCTGATGCCGATGAAAATGTATCAGCTTCTGATAAAAGGCGGAATT[A>T]TAACTACCGAGTGGTGATGCTGAAGGGAGACACAGCCTTGGATATGCGAGGACGATGCAG-3'
Protein context (NP_005723.2, residues 1172-1192): NVSASDKRRN[Tyr1182Phe]NYRVVMLKGD

ClinVar aggregate classification (germline): Uncertain significance. Review status: criteria provided, multiple submitters, no conflicts (2 of 4 stars). 2 submissions from 2 submitters: Uncertain significance (2). Last evaluated 2025-03-15.

Conditions:
Hereditary cancer-predisposing syndrome. Also called: Hereditary Cancer Syndrome; Neoplastic Syndromes, Hereditary; Tumor predisposition; Hereditary neoplastic syndrome. Identifiers: Orphanet 140162, MedGen C0027672, MeSH D009386, MONDO:0015356.

Submissions (2):

Ambry Genetics
Classification: Uncertain significance for Hereditary cancer-predisposing syndrome. Last evaluated: 2025-03-15. Review status: criteria provided, single submitter. Criteria: Ambry Variant Classification Scheme 2023. Collection method: clinical testing. Allele origin: germline.
Comment: The p.Y1182F variant (also known as c.3545A>T), located in coding exon 23 of the RAD50 gene, results from an A to T substitution at nucleotide position 3545. The tyrosine at codon 1182 is replaced by phenylalanine, an amino acid with highly similar properties. This amino acid position is conserved. In addition, the in silico prediction for this alteration is inconclusive. Based on the available evidence, the clinical significance of this variant remains unclear.

Labcorp Genetics (formerly Invitae), Labcorp
Classification: Uncertain significance for Hereditary cancer-predisposing syndrome. Last evaluated: 2023-10-24. Review status: criteria provided, single submitter. Criteria: Invitae Variant Classification Sherloc (09022015). Collection method: clinical testing. Allele origin: germline.
Comment: This sequence change replaces tyrosine, which is neutral and polar, with phenylalanine, which is neutral and non-polar, at codon 1182 of the RAD50 protein (p.Tyr1182Phe). This variant is not present in population databases (gnomAD no frequency). This variant has not been reported in the literature in individuals affected with RAD50-related conditions. Advanced modeling of protein sequence and biophysical properties (such as structural, functional, and spatial information, amino acid conservation, physicochemical variation, residue mobility, and thermodynamic stability) performed at Invitae indicates that this missense variant is not expected to disrupt RAD50 protein function with a negative predictive value of 80%. In summary, the available evidence is currently insufficient to determine the role of this variant in disease. Therefore, it has been classified as a Variant of Uncertain Significance.